The following is an entry in ClinVar:

ClinVar aggregate classification (germline): Pathogenic. Review status: criteria provided, multiple submitters, no conflicts (2 of 4 stars). 2 submissions from 2 submitters: Pathogenic (2). Last evaluated 2023-04-28.

Conditions:
Familial adenomatous polyposis 1 (FAP1). Also called: POLYPOSIS, ADENOMATOUS INTESTINAL; FAMILIAL ADENOMATOUS POLYPOSIS 1, ATTENUATED. Identifiers: MedGen C2713442, MONDO:0021056, OMIM 175100. Disease mechanism: loss of function.

Submissions (2):

Myriad Genetics, Inc.
Classification: Pathogenic for Familial adenomatous polyposis 1. Last evaluated: 2023-04-28. Review status: criteria provided, single submitter. Criteria: Myriad Autosomal Dominant, Autosomal Recessive and X-Linked Classification Criteria (2023). Collection method: clinical testing. Allele origin: unknown.
Comment: This variant is considered pathogenic. This variant creates a frameshift predicted to result in premature protein truncation.

Labcorp Genetics (formerly Invitae), Labcorp
Classification: Pathogenic for Familial adenomatous polyposis 1. Last evaluated: 2020-11-15. Review status: criteria provided, single submitter. Criteria: Invitae Variant Classification Sherloc (09022015). Collection method: clinical testing. Allele origin: germline.
Comment: This variant has not been reported in the literature in individuals with APC-related conditions. This sequence change creates a premature translational stop signal (p.Gln394Thrfs*3) in the APC gene. It is expected to result in an absent or disrupted protein product. Loss-of-function variants in APC are known to be pathogenic (PMID: 17963004, 20685668). This variant is not present in population databases (ExAC no frequency). For these reasons, this variant has been classified as Pathogenic.

Literature cited by the submitters: PubMed 17963004 (cited by Labcorp Genetics (formerly Invitae), Labcorp); PubMed 20685668 (cited by Labcorp Genetics (formerly Invitae), Labcorp).

NM_000038.6(APC):c.1179dup (p.Gln394fs)

Gene: APC (APC regulator of Wnt signaling pathway; plus strand). Cytogenetic location: 5q22.2.
Variant type: Duplication.
Coding change: c.1179dup on transcript NM_000038.6 (MANE Select); coding-DNA position 1179, one base duplicated (A; older notation c.1179dupA).
Protein change: p.Gln394fs; shifts the reading frame from glutamine 394.
Molecular consequence: frameshift variant. On other transcripts: intron variant (4).
Genome position (GRCh38, 1-based): chr5:112,819,211, A duplicated. VCF-style (leftmost placement, unchanged base first): chr5-112819210-C-CA. GRCh37 (hg19) VCF-style: chr5-112154907-C-CA.
Other names: c.1179dup, p.Gln394fs (NM_001127510.3, NM_001354895.2, NM_001354896.2); c.1125dup, p.Gln376fs (NM_001127511.3); c.1209dup, p.Gln404fs (NM_001354897.2); c.1104dup, p.Gln369fs (NM_001354898.2); c.1095dup, p.Gln366fs (NM_001354899.2); c.1002dup, p.Gln335fs (NM_001354900.2, NM_001354901.2); c.330dup, p.Gln111fs (NM_001354906.2); c.964-58dup (NM_001354902.2); and 3 more; short protein forms Q111fs, Q369fs, Q394fs, Q376fs, Q404fs, Q335fs, Q366fs.
Identifiers: ClinVar variation 1428259 (VCV001428259.7), dbSNP rs2149782151, ClinGen allele CA2573138823.
Genomic context (GRCh38, chr5:112,819,210, plus strand): 5'-CCCGGGGCAGTAAAGAGGCTCGGGCCAGGGCCAGTGCAGCACTCCACAACATCATTCACT[C>CA]ACAGCCTGATGACAAGAGAGGCAGGCGTGAAATCCGAGTCCTTCATCTTTTGGAACAGAT-3'